The following is an entry in ClinVar:

NM_001378454.1(ALMS1):c.2498A>G (p.Glu833Gly)

Gene: ALMS1 (ALMS1 centrosome and basal body associated protein; plus strand). Cytogenetic location: 2p13.1.
Variant type: single nucleotide variant.
Coding change: c.2498A>G on transcript NM_001378454.1 (MANE Select); coding-DNA position 2498, A replaced by G.
Protein change: p.Glu833Gly; replaces glutamic acid 833 with glycine.
Molecular consequence: missense variant.
Genome position (GRCh38, 1-based): chr2:73,449,025, A>G. VCF-style: chr2-73449025-A-G. GRCh37 (hg19) VCF-style: chr2-73676152-A-G.
Other names: c.2501A>G, p.Glu834Gly (NM_015120.4); short protein forms E834G, E833G.
Identifiers: ClinVar variation 1792255 (VCV001792255.8), dbSNP rs774198161, ClinGen allele CA1713365.

ClinVar aggregate classification (germline): Conflicting classifications of pathogenicity. Review status: criteria provided, conflicting classifications (1 of 4 stars). 4 submissions from 4 submitters: Uncertain significance (3); Likely benign (1). Last evaluated 2026-07-31.

Conditions:
Cardiovascular phenotype. Identifiers: MedGen CN230736.
Alstrom syndrome (ALMS). Identifiers: Orphanet 64, MedGen C0268425, MONDO:0008763, OMIM 203800.

Allele frequency attached by ClinVar (database versions not stated): ExAC 0.00002; TOPMed 0.00004; gnomAD exomes 0.00001; gnomAD 0.00001.
gnomAD v4.1: 10 of 1,613,910 alleles (0.00062%); highest among the groups gnomAD compares: Middle Eastern, 0.016%; no homozygotes.

Submissions (4):

GeneDx
Classification: Uncertain significance. Last evaluated: 2026-07-31. Review status: criteria provided, single submitter. Criteria: GeneDx Variant Classification Process June 2021. Collection method: clinical testing. Allele origin: germline.
Comment: Not observed at significant frequency in large population cohorts (gnomAD); In silico analysis suggests that this missense variant does not alter protein structure/function; Has not been previously published as pathogenic or benign to our knowledge

Women's Health and Genetics/Laboratory Corporation of America, LabCorp
Classification: Uncertain significance. Last evaluated: 2026-04-17. Review status: criteria provided, single submitter. Criteria: LabCorp Variant Classification Summary - May 2015. Collection method: clinical testing. Allele origin: germline.

Ambry Genetics
Classification: Likely benign for Cardiovascular phenotype. Last evaluated: 2025-12-08. Review status: criteria provided, single submitter. Criteria: Ambry Variant Classification Scheme 2023. Collection method: clinical testing. Allele origin: germline.

Labcorp Genetics (formerly Invitae), Labcorp
Classification: Uncertain significance for Alstrom syndrome. Last evaluated: 2022-07-31. Review status: criteria provided, single submitter. Criteria: Invitae Variant Classification Sherloc (09022015). Collection method: clinical testing. Allele origin: germline.
Comment: This sequence change replaces glutamic acid, which is acidic and polar, with glycine, which is neutral and non-polar, at codon 834 of the ALMS1 protein (p.Glu834Gly). This variant is present in population databases (rs774198161, gnomAD 0.003%). This variant has not been reported in the literature in individuals affected with ALMS1-related conditions. Experimental studies and prediction algorithms are not available or were not evaluated, and the functional significance of this variant is currently unknown. In summary, the available evidence is currently insufficient to determine the role of this variant in disease. Therefore, it has been classified as a Variant of Uncertain Significance.